The following is an entry in ClinVar:

ClinVar aggregate classification (germline): Conflicting classifications of pathogenicity. Review status: criteria provided, conflicting classifications (1 of 4 stars). 5 submissions from 5 submitters: Uncertain significance (1); Likely benign (4). Last evaluated 2026-08-11.

Conditions:
TMIE-related disorder. Also called: TMIE-related condition.
Autosomal recessive nonsyndromic hearing loss 6. Also called: NEUROSENSORY NONSYNDROMIC RECESSIVE DEAFNESS 6. Identifiers: Orphanet 90636, MedGen C1832992, MONDO:0010965, OMIM 600971.

Allele frequency attached by ClinVar (database versions not stated): gnomAD exomes 0.00005 and 0.00009; ExAC 0.00006; gnomAD 0.00007; ESP Exome Variant Server 0.00008; TOPMed 0.00008.
gnomAD v4.1: 90 of 1,614,006 alleles (0.0056%); highest among the groups gnomAD compares: Admixed American, 0.032%; no homozygotes.

Submissions (5):

PreventionGenetics, part of Exact Sciences
Classification: Likely benign for TMIE-related condition. Last evaluated: 2026-08-11. Review status: criteria provided, single submitter. Criteria: ACMG Guidelines, 2015. Collection method: clinical testing. Allele origin: germline.
Comment: This variant is classified as likely benign based on ACMG/AMP sequence variant interpretation guidelines (Richards et al. 2015 PMID: 25741868, with internal and published modifications).

Labcorp Genetics (formerly Invitae), Labcorp
Classification: Likely benign. Last evaluated: 2025-10-27. Review status: criteria provided, single submitter. Criteria: Invitae Variant Classification Sherloc (09022015). Collection method: clinical testing. Allele origin: germline.

GeneDx
Classification: Likely benign. Last evaluated: 2021-03-29. Review status: criteria provided, single submitter. Criteria: GeneDx Variant Classification Process June 2021. Collection method: clinical testing. Allele origin: germline. Affected: yes.

Illumina Laboratory Services, Illumina
Classification: Uncertain significance for Autosomal recessive nonsyndromic hearing loss 6. Last evaluated: 2018-01-13. Review status: criteria provided, single submitter. Criteria: ICSL Variant Classification Criteria 13 December 2019. Collection method: clinical testing. Allele origin: germline.

Laboratory for Molecular Medicine, Mass General Brigham Personalized Medicine
Classification: Likely benign. Last evaluated: 2012-04-30. Review status: criteria provided, single submitter. Criteria: LMM Criteria. Collection method: clinical testing. Allele origin: germline. Observed: 1 variant allele.
Comment: His58His in Exon 02 of TMIE: This variant is not expected to have clinical signi ficance because it does not alter an amino acid residue, is not located within t he splice consensus sequence, and has been identified in 1/6974 European America n chromosomes from a broad population by the NHLBI Exome Sequencing Project.

NM_147196.3(TMIE):c.174C>T (p.His58=)

Gene: TMIE (transmembrane inner ear; plus strand). Cytogenetic location: 3p21.31.
Variant type: single nucleotide variant.
Coding change: c.174C>T on transcript NM_147196.3 (MANE Select); coding-DNA position 174, C replaced by T.
Protein change: p.His58=; no amino-acid change (histidine 58 retained).
Molecular consequence: synonymous variant.
Genome position (GRCh38, 1-based): chr3:46,705,870, C>T. VCF-style: chr3-46705870-C-T. GRCh37 (hg19) VCF-style: chr3-46747360-C-T.
Other names: c.15C>T, p.His5= (NM_001370524.1, NM_001370525.1).
Identifiers: ClinVar variation 165459 (VCV000165459.18), dbSNP rs373379198, ClinGen allele CA178228.